The following is an entry in ClinVar:

ClinVar aggregate classification (germline): Benign/Likely benign. Review status: criteria provided, multiple submitters, no conflicts (2 of 4 stars). 4 submissions from 4 submitters: Benign (1); Likely benign (3). Last evaluated 2026-07-07.

Conditions:
DICER1-related disorder. Also called: DICER1-related condition.
DICER1-related tumor predisposition. Also called: DICER1 syndrome; DICER1-related pleuropulmonary blastoma cancer predisposition syndrome. Identifiers: Orphanet 284343, MedGen C3839822, MONDO:0100216.
Hereditary cancer-predisposing syndrome. Also called: Neoplastic Syndromes, Hereditary; Hereditary Cancer Syndrome; Tumor predisposition; Hereditary neoplastic syndrome. Identifiers: Orphanet 140162, MedGen C0027672, MeSH D009386, MONDO:0015356.

Allele frequency attached by ClinVar (database versions not stated): gnomAD exomes below 0.00001 and 0.00001; gnomAD 0.00001; TOPMed 0.00001.
gnomAD v4.1: 8 of 1,613,494 alleles (0.0005%); highest among the groups gnomAD compares: Non-Finnish European, 0.00068%; no homozygotes.

Submissions (4):

PreventionGenetics, part of Exact Sciences
Classification: Likely benign for DICER1-related condition. Last evaluated: 2026-07-07. Review status: criteria provided, single submitter. Criteria: ACMG Guidelines, 2015. Collection method: clinical testing. Allele origin: germline.
Comment: This variant is classified as likely benign based on ACMG/AMP sequence variant interpretation guidelines (Richards et al. 2015 PMID: 25741868, with internal and published modifications).

Myriad Genetics, Inc.
Classification: Benign for DICER1-related tumor predisposition. Last evaluated: 2026-04-15. Review status: criteria provided, single submitter. Criteria: Myriad Autosomal Dominant, Autosomal Recessive and X-Linked Classification Criteria (2023). Collection method: clinical testing. Allele origin: unknown.
Comment: This variant is considered benign. This variant is a silent/synonymous amino acid change and it is not expected to impact splicing.

Labcorp Genetics (formerly Invitae), Labcorp
Classification: Likely benign for DICER1-related tumor predisposition. Last evaluated: 2025-11-26. Review status: criteria provided, single submitter. Criteria: Invitae Variant Classification Sherloc (09022015). Collection method: clinical testing. Allele origin: germline.

Ambry Genetics
Classification: Likely benign for Hereditary cancer-predisposing syndrome. Last evaluated: 2017-06-22. Review status: criteria provided, single submitter. Criteria: Ambry Variant Classification Scheme 2023. Collection method: clinical testing. Allele origin: germline.

NM_177438.3(DICER1):c.729A>G (p.Leu243=)

Gene: DICER1 (dicer 1, ribonuclease III; minus strand). Cytogenetic location: 14q32.13.
Variant type: single nucleotide variant.
Coding change: c.729A>G on transcript NM_177438.3 (MANE Select); coding-DNA position 729, A replaced by G.
Protein change: p.Leu243=; no amino-acid change (leucine 243 retained).
Molecular consequence: synonymous variant.
Genome position (GRCh38, 1-based): chr14:95,129,477, T>C on the plus strand (A>G on the coding strand, the complement: DICER1 is on the minus strand). VCF-style: chr14-95129477-T-C. GRCh37 (hg19) VCF-style: chr14-95595814-T-C.
Other names: c.729A>G, p.Leu243= (NM_001195573.1, NM_001271282.3, NM_001291628.2 and 1 more transcripts).
Identifiers: ClinVar variation 477279 (VCV000477279.19), dbSNP rs1380622608, ClinGen allele CA487633784.